The following is an entry in ClinVar:

NM_012092.4(ICOS):c.58+1G>A

Gene: ICOS (inducible T cell costimulator; plus strand). Cytogenetic location: 2q33.2.
Variant type: single nucleotide variant.
Coding change: c.58+1G>A on transcript NM_012092.4 (MANE Select); the canonical splice donor site of the intron after coding-DNA position 58, G replaced by A.
Molecular consequence: splice donor variant.
Genome position (GRCh38, 1-based): chr2:203,936,873, G>A. VCF-style: chr2-203936873-G-A. GRCh37 (hg19) VCF-style: chr2-204801596-G-A.
Identifiers: ClinVar variation 663980 (VCV000663980.8), dbSNP rs757598952, ClinGen allele CA2067200.

ClinVar aggregate classification (germline): Likely pathogenic. Review status: criteria provided, multiple submitters, no conflicts (2 of 4 stars). 2 submissions from 2 submitters: Likely pathogenic (2). Last evaluated 2019-01-01.

Conditions:
Inherited Immunodeficiency Diseases. Identifiers: MedGen C5197805, MeSH D000081207.
Immunodeficiency, common variable, 1. Also called: ANTIBODY DEFICIENCY DUE TO ICOS DEFECT. Identifiers: Orphanet 1572, Orphanet 695183, MedGen C3149378, MONDO:0011864, OMIM 607594.

Allele frequency attached by ClinVar (database versions not stated): gnomAD exomes below 0.00001 and 0.00002; ExAC 0.00001.
gnomAD v4.1: 27 of 1,577,890 alleles (0.0017%); highest among the groups gnomAD compares: Non-Finnish European, 0.0024%; no homozygotes.

Submissions (2):

NIHR Bioresource Rare Diseases, University of Cambridge
Classification: Likely pathogenic for Inherited Immunodeficiency Diseases. Last evaluated: 2019-01-01. Review status: criteria provided, single submitter. Criteria: ACMG Guidelines, 2015. Collection method: research. Allele origin: germline. Affected: yes. Observed: 1 heterozygote.

Labcorp Genetics (formerly Invitae), Labcorp
Classification: Likely pathogenic for Immunodeficiency, common variable, 1. Last evaluated: 2018-09-19. Review status: criteria provided, single submitter. Criteria: Invitae Variant Classification Sherloc (09022015). Collection method: clinical testing. Allele origin: germline.
Comment: This sequence change affects a donor splice site in intron 1 of the ICOS gene. It is expected to disrupt RNA splicing and likely results in an absent or disrupted protein product. This variant is present in population databases (rs757598952, ExAC 0.002%). This variant has not been reported in the literature in individuals with ICOS-related disease. Donor and acceptor splice site variants typically lead to a loss of protein function (PMID: 16199547), and loss-of-function variants in ICOS are known to be pathogenic (PMID: 11343122, 12577056, 19380800). In summary, the currently available evidence indicates that the variant is pathogenic, but additional data are needed to prove that conclusively. Therefore, this variant has been classified as Likely Pathogenic.

Literature cited by the submitters: PubMed 16199547 (cited by Labcorp Genetics (formerly Invitae), Labcorp); PubMed 11343122 (cited by Labcorp Genetics (formerly Invitae), Labcorp); PubMed 12577056 (cited by Labcorp Genetics (formerly Invitae), Labcorp); PubMed 19380800 (cited by Labcorp Genetics (formerly Invitae), Labcorp).